The following is an entry in ClinVar:

NM_001283009.2(RTEL1):c.518A>C (p.His173Pro)

Genes: RTEL1 (regulator of telomere elongation helicase 1; plus strand), RTEL1-TNFRSF6B (RTEL1-TNFRSF6B readthrough (NMD candidate); plus strand). Cytogenetic location: 20q13.33.
Variant type: single nucleotide variant.
Coding change: c.518A>C on transcript NM_001283009.2 (MANE Select); coding-DNA position 518, A replaced by C.
Protein change: p.His173Pro; replaces histidine 173 with proline.
Molecular consequence: missense variant. On other transcripts: non-coding transcript variant (1), 5 prime UTR variant (1).
Genome position (GRCh38, 1-based): chr20:63,662,869, A>C. VCF-style: chr20-63662869-A-C. GRCh37 (hg19) VCF-style: chr20-62294222-A-C.
Other names: c.-152A>C (NM_001283010.1); c.518A>C, p.His173Pro (NM_016434.4); c.590A>C, p.His197Pro (NM_032957.5); short protein forms H197P, H173P.
Identifiers: ClinVar variation 4827715 (VCV004827715.1).

ClinVar aggregate classification (germline): Uncertain significance (1 of 4 stars; one submission).

Conditions:
Inborn genetic diseases. Identifiers: MedGen C0950123, MeSH D030342.

Submission:

Ambry Genetics
Classification: Uncertain significance for Inborn genetic diseases. Last evaluated: 2026-03-11. Review status: criteria provided, single submitter. Criteria: Ambry Variant Classification Scheme 2023. Collection method: clinical testing. Allele origin: germline.
Comment: The p.H173P variant (also known as c.518A>C), located in coding exon 5 of the RTEL1 gene, results from an A to C substitution at nucleotide position 518. The histidine at codon 173 is replaced by proline, an amino acid with similar properties. This amino acid position is conserved. In addition, this alteration is predicted to be tolerated by in silico analysis. Based on the available evidence, the clinical significance of this variant remains unclear.